The following is an entry in ClinVar:

ClinVar aggregate classification (germline): Uncertain significance (1 of 4 stars; one submission).

Conditions:
PKD1-related disorder. Also called: PKD1-related condition.

Submission:

PreventionGenetics, part of Exact Sciences
Classification: Uncertain significance for PKD1-related condition. Last evaluated: 2025-02-14. Review status: criteria provided, single submitter. Criteria: ACMG Guidelines, 2015. Collection method: clinical testing. Allele origin: germline.
Comment: The PKD1 c.593C>T variant is predicted to result in the amino acid substitution p.Ser198Leu. To our knowledge, this variant has not been reported in the literature or in a large population database (gnomAD), indicating this variant is rare. At this time, the clinical significance of this variant is uncertain due to the absence of conclusive functional and genetic evidence.

NM_001009944.3(PKD1):c.593C>T (p.Ser198Leu)

Gene: PKD1 (polycystin 1, transient receptor potential channel interacting; minus strand). Cytogenetic location: 16p13.3.
Variant type: single nucleotide variant.
Coding change: c.593C>T on transcript NM_001009944.3 (MANE Select); coding-DNA position 593, C replaced by T.
Protein change: p.Ser198Leu; replaces serine 198 with leucine.
Molecular consequence: missense variant.
Genome position (GRCh38, 1-based): chr16:2,118,399, G>A on the plus strand (C>T on the coding strand, the complement: PKD1 is on the minus strand). VCF-style: chr16-2118399-G-A. GRCh37 (hg19) VCF-style: chr16-2168400-G-A.
Other names: c.593C>T, p.Ser198Leu (NM_000296.4); short protein forms S198L.
Identifiers: ClinVar variation 4988739 (VCV004988739.1).